The following is an entry in ClinVar:

ClinVar aggregate classification (germline): Pathogenic/Likely pathogenic. Review status: criteria provided, multiple submitters, no conflicts (2 of 4 stars). 6 submissions from 6 submitters: Pathogenic (3); Likely pathogenic (1). 2 of the submissions do not count toward it. Last evaluated 2025-06-16.

Conditions:
Familial X-linked hypophosphatemic vitamin D refractory rickets (XLHRD). Also called: Hypophosphatemia, vitamin D-resistant rickets; Vitamin D-resistant rickets, X-linked; X-Linked Hypophosphatemia; HYPOPHOSPHATEMIC VITAMIN D-RESISTANT RICKETS; Hypophosphatemic Rickets, X-Linked Dominant. Identifiers: Orphanet 89936, MedGen C0733682, MONDO:0010619, OMIM 307800.
PHEX-related disorder. Also called: PHEX-related condition.
Childhood hypophosphatasia. Identifiers: Orphanet 247667, Orphanet 436, MedGen C0220743, MONDO:1010168, OMIM 241510, MONDO:0009428.

Submissions (6):

3billion
Classification: Pathogenic for Familial X-linked hypophosphatemic vitamin D refractory rickets. Last evaluated: 2025-06-16. Review status: criteria provided, single submitter. Criteria: ACMG Guidelines, 2015. Collection method: clinical testing. Allele origin: germline. Affected: yes.
Comment: The variant is not observed in the gnomAD v4.1.0 dataset. Predicted Consequence/Location: Canonical splice site: predicted to alter splicing and result in a loss or disruption of normal protein function. Multiple pathogenic loss-of-function variants are reported downstream of the variant. In silico tools predict the variant to alter splicing and produce an abnormal transcript [SpliceAI: 1.00 (spliceogenicity >=0.2, non-spliceogenicity <0.1)]. The variant has been reported at least twice as pathogenic without evidence for the classification (ClinVar ID: VCV000438489 /PMID: 9199930). Therefore, this variant is classified as Pathogenic according to the recommendation of ACMG/AMP guideline.

Labcorp Genetics (formerly Invitae), Labcorp
Classification: Pathogenic. Last evaluated: 2022-07-24. Review status: criteria provided, single submitter. Criteria: Invitae Variant Classification Sherloc (09022015). Collection method: clinical testing. Allele origin: germline.
Comment: Algorithms developed to predict the effect of sequence changes on RNA splicing suggest that this variant may disrupt the consensus splice site. For these reasons, this variant has been classified as Pathogenic. ClinVar contains an entry for this variant (Variation ID: 438489). Disruption of this splice site has been observed in individuals with hypophosphatemic rickets (PMID: 9199930, 30682568). This variant is not present in population databases (gnomAD no frequency). This sequence change affects a donor splice site in intron 8 of the PHEX gene. It is expected to disrupt RNA splicing. Variants that disrupt the donor or acceptor splice site typically lead to a loss of protein function (PMID: 16199547), and loss-of-function variants in PHEX are known to be pathogenic (PMID: 9097956, 9106524, 19219621).

Institute of Human Genetics Munich, TUM University Hospital
Classification: Pathogenic for Familial X-linked hypophosphatemic vitamin D refractory rickets. Last evaluated: 2013-11-06. Review status: criteria provided, single submitter. Criteria: Classification criteria August 2017. Collection method: clinical testing. Allele origin: germline. Inheritance: X-linked inheritance. Affected: yes. Observed: 1 heterozygote, 1 hemizygote.

Juno Genomics, Hangzhou Juno Genomics, Inc
Classification: Likely pathogenic for Familial X-linked hypophosphatemic vitamin D refractory rickets. Review status: criteria provided, single submitter. Criteria: ACMG Guidelines, 2015. Collection method: clinical testing. Allele origin: germline. Affected: yes.
Comment: Absent from controls (or at extremely low frequency if recessive) in Genome Aggregation Database, Exome Sequencing Project, 1000 Genomes Project, or Exome Aggregation Consortium.;Null variant in a gene where loss of function (LOF) is a known mechanism of disease.;Same amino acid change as a previously established pathogenic variant regardless of nucleotide change.;The prevalence of the variant in affected individuals is significantly increased compared to the prevalence in controls.;Patient's phenotype or family history is highly specific for a disease with a single genetic etiology.

PreventionGenetics, part of Exact Sciences
Classification: Pathogenic for PHEX-related condition. Last evaluated: 2024-05-20. Review status: no assertion criteria provided. Collection method: clinical testing. Allele origin: germline. Not counted in ClinVar's aggregate classification.
Comment: The PHEX c.933+1G>T variant is predicted to disrupt the GT donor site and interfere with normal splicing. This variant has been reported in at least one individual with hypophosphataemic rickets (see patient 325 (4173) in Table 3, Francis et al. 1997. PubMed ID: 9199930; Table S2, Zhang et al 2019. PubMed ID: 30682568). In addition, similar splicing variants (see example: c.933+1G>A and c.933+2T>A) were reported to be pathogenic (Zhang. 2019. PubMed ID: 30682568; Sarafrazi. 2022. PubMed ID: 34806794). This variant has not been reported in a large population database, indicating this variant is rare. Variants that disrupt the consensus splice donor site in PHEX are expected to be pathogenic. This variant is interpreted as pathogenic.

Department of Pediatric Endocrinology, Shriners Hospitals for Children - Mexico City
No classification provided. Condition: Childhood hypophosphatasia. Review status: no classification provided. Collection method: phenotyping only. Allele origin: germline. Inheritance: X-linked dominant inheritance. Affected: yes. Observed: 1 variant allele, 1 hemizygote. Not counted in ClinVar's aggregate classification.

Literature cited by the submitters: PubMed 9199930 (cited by 3 submitters); PubMed 30682568 (cited by Labcorp Genetics (formerly Invitae), Labcorp); PubMed 16199547 (cited by Labcorp Genetics (formerly Invitae), Labcorp); PubMed 9097956 (cited by Labcorp Genetics (formerly Invitae), Labcorp); PubMed 9106524 (cited by Labcorp Genetics (formerly Invitae), Labcorp); PubMed 19219621 (cited by Labcorp Genetics (formerly Invitae), Labcorp).

NM_000444.6(PHEX):c.933+1G>T

Gene: PHEX (phosphate regulating endopeptidase X-linked; plus strand). Cytogenetic location: Xp22.11.
Variant type: single nucleotide variant.
Coding change: c.933+1G>T on transcript NM_000444.6 (MANE Select); the canonical splice donor site of the intron after coding-DNA position 933, G replaced by T.
Molecular consequence: splice donor variant.
Genome position (GRCh38, 1-based): chrX:22,097,039, G>T. VCF-style: chrX-22097039-G-T. GRCh37 (hg19) VCF-style: chrX-22115157-G-T.
Other names: c.933+1G>T (NM_001282754.2, NM_000444.5).
Identifiers: ClinVar variation 438489 (VCV000438489.15), dbSNP rs1556025314, ClinGen allele CA412572721.